The following continues an entry in ClinVar:

NM_006767.4(LZTR1):c.993+1G>A

Gene: LZTR1. ClinVar aggregate classification (germline): Pathogenic. Pathogenic (1).

Submissions 10 to 11 of 11:

Blueprint Genetics
Classification: Likely pathogenic for LZTR1-related disorders. Last evaluated: 2019-08-30. Review status: criteria provided, single submitter. Criteria: ACMG Guidelines, 2015. Collection method: clinical testing. Allele origin: germline. Affected: yes. Observed: 2 variant alleles. Not counted in ClinVar's aggregate classification.

Institute for Medical Genetics and Human Genetics, Charité - Universitätsmedizin Berlin
Classification: Pathogenic for Noonan syndrome 2. Review status: criteria provided, single submitter. Criteria: ACMG Guidelines, 2015. Collection method: clinical testing. Allele origin: germline. Inheritance: Autosomal recessive inheritance. Affected: yes. Observed: 1 compound heterozygote. Not counted in ClinVar's aggregate classification.
Comment: Bi-allelic mutations in the LZTR1 gene have been described as causative for autosomal recessive Noonan Syndrome 2 (MIM # 600574). Johnston et al. recently published 23 patients from 12 families with Noonan Syndrome 2 and Umeki et al. recently published another case with Noonan Syndrome 2. The sequence modification is listed once in the database gnomAD in heterozygous state (allele frequency in the European population of 0.001%). In the database HGMD, according to current knowledge, 6 splicing mutations in the LZTR1 gene have been described as causative for Noonan syndrome. Three of them also affect the canonical splice site (position +1 A>G) (Johnston et al. 2018). The prediction programs assume a loss of the donor splice site and aberrant splicing. According to the ACMG criteria, we classify the variant as pathogenic (class V).

Literature cited by the submitters: PubMed 16199547 (cited by Labcorp Genetics (formerly Invitae), Labcorp); PubMed 24362817 (cited by Labcorp Genetics (formerly Invitae), Labcorp); PubMed 25335493 (cited by Labcorp Genetics (formerly Invitae), Labcorp); PubMed 25480913 (cited by Labcorp Genetics (formerly Invitae), Labcorp); PubMed 25795793 (cited by Labcorp Genetics (formerly Invitae), Labcorp); PubMed 29469822 (cited by Labcorp Genetics (formerly Invitae), Labcorp); PubMed 30368668 (cited by Labcorp Genetics (formerly Invitae), Labcorp); PubMed 30442762 (cited by Labcorp Genetics (formerly Invitae), Labcorp); PubMed 30442766 (cited by Labcorp Genetics (formerly Invitae), Labcorp); PubMed 30481304 (cited by Labcorp Genetics (formerly Invitae), Labcorp); PubMed 30859559 (cited by Labcorp Genetics (formerly Invitae), Labcorp); PubMed 29409008 (cited by Labcorp Genetics (formerly Invitae), Labcorp); PubMed 39039281 (cited by Labcorp Genetics (formerly Invitae), Labcorp); PubMed 39062695 (cited by Dasa); PubMed 33084842 (cited by Women's Health and Genetics/Laboratory Corporation of America, LabCorp).